The following is an entry in ClinVar:

NM_001267550.2(TTN):c.104878C>T (p.Arg34960Cys)

Genes: TTN (titin; minus strand), TTN-AS1 (TTN antisense RNA 1; plus strand). Cytogenetic location: 2q31.2.
Variant type: single nucleotide variant.
Coding change: c.104878C>T on transcript NM_001267550.2 (MANE Select); coding-DNA position 104878, C replaced by T.
Protein change: p.Arg34960Cys; replaces arginine 34960 with cysteine.
Molecular consequence: missense variant.
Genome position (GRCh38, 1-based): chr2:178,531,737, G>A on the plus strand (C>T on the coding strand, the complement: TTN is on the minus strand). VCF-style: chr2-178531737-G-A. GRCh37 (hg19) VCF-style: chr2-179396464-G-A.
Other names: c.99955C>T, p.Arg33319Cys (NM_001256850.1); c.77683C>T, p.Arg25895Cys (NM_003319.4); c.97174C>T, p.Arg32392Cys (NM_133378.4); c.78058C>T, p.Arg26020Cys (NM_133432.3); c.78259C>T, p.Arg26087Cys (NM_133437.4); short protein forms R26020C, R34960C, R25895C, R33319C, R26087C, R32392C.
Identifiers: ClinVar variation 1042851 (VCV001042851.9), dbSNP rs772702110, ClinGen allele CA1985341.

ClinVar aggregate classification (germline): Uncertain significance (1 of 4 stars; one submission).

Conditions:
Dilated cardiomyopathy 1G (CMD1G). Identifiers: Orphanet 154, MedGen C1858763, MONDO:0011400, OMIM 604145.
Autosomal recessive limb-girdle muscular dystrophy type 2J (LGMDR10). Also called: Limb-girdle muscular dystrophy, type 2J; MUSCULAR DYSTROPHY, LIMB-GIRDLE, AUTOSOMAL RECESSIVE 10. Identifiers: Orphanet 140922, MedGen C1837342, MONDO:0012127, OMIM 608807.

Allele frequency attached by ClinVar (database versions not stated): gnomAD 0.00001; TOPMed 0.00001; ExAC 0.00002; gnomAD exomes 0.00002.
gnomAD v4.1: 35 of 1,613,786 alleles (0.0022%); highest among the groups gnomAD compares: Admixed American, 0.0067%; no homozygotes.

Submission:

Labcorp Genetics (formerly Invitae), Labcorp
Classification: Uncertain significance for Dilated cardiomyopathy 1G; Autosomal recessive limb-girdle muscular dystrophy type 2J. Last evaluated: 2026-01-19. Review status: criteria provided, single submitter. Criteria: Invitae Variant Classification Sherloc (09022015). Collection method: clinical testing. Allele origin: germline.
Comment: This sequence change replaces arginine, which is basic and polar, with cysteine, which is neutral and slightly polar, at codon 34960 of the TTN protein (p.Arg34960Cys). This variant is present in population databases (rs772702110, gnomAD 0.006%). This variant has not been reported in the literature in individuals affected with TTN-related conditions. ClinVar contains an entry for this variant (Variation ID: 1042851). An algorithm developed to predict the effect of missense changes on protein structure and function outputs the following: PolyPhen-2: "Not Available". The cysteine amino acid residue is found in multiple mammalian species, which suggests that this missense change does not adversely affect protein function. This variant is located in the M band of TTN (PMID: 25589632). Non-truncating variants in this region may be relevant for neuromuscular disorders, but have not been definitively shown to cause cardiomyopathy (PMID: 23975875). In summary, the available evidence is currently insufficient to determine the role of this variant in disease. Therefore, it has been classified as a Variant of Uncertain Significance.

Literature cited by the submitters: PubMed 25589632; PubMed 23975875.